The following is an entry in ClinVar:

NM_004380.3(CREBBP):c.1414A>T (p.Asn472Tyr)

Gene: CREBBP (CREB binding protein; minus strand). Cytogenetic location: 16p13.3.
Variant type: single nucleotide variant.
Coding change: c.1414A>T on transcript NM_004380.3 (MANE Select); coding-DNA position 1414, A replaced by T.
Protein change: p.Asn472Tyr; replaces asparagine 472 with tyrosine.
Molecular consequence: missense variant.
Genome position (GRCh38, 1-based): chr16:3,782,843, T>A on the plus strand (A>T on the coding strand, the complement: CREBBP is on the minus strand). VCF-style: chr16-3782843-T-A. GRCh37 (hg19) VCF-style: chr16-3832844-T-A.
Other names: c.1300A>T, p.Asn434Tyr (NM_001079846.1); short protein forms N472Y, N434Y.
Identifiers: ClinVar variation 423439 (VCV000423439.2), dbSNP rs1064796426, ClinGen allele CA16620207.

ClinVar aggregate classification (germline): Uncertain significance (1 of 4 stars; one submission).

gnomAD v4.1: 1 of 1,614,190 alleles (0.000062%); highest among the groups gnomAD compares: Non-Finnish European, 0.000085%; no homozygotes.

Submission:

GeneDx
Classification: Uncertain significance. Last evaluated: 2017-02-21. Review status: criteria provided, single submitter. Criteria: GeneDx Variant Classification (06012015). Collection method: clinical testing. Allele origin: germline. Affected: yes.
Comment: The N472Y variant has not been published as a pathogenic variant, nor has it been reported as a benign variant to our knowledge. The N472Y variant is not observed in large population cohorts (Lek et al., 2016; 1000 Genomes Consortium et al., 2015; Exome Variant Server). The N472Y variant is a semi-conservative amino acid substitution that occurs at a position that is conserved in mammals, and in silico analysis predicts this variant is probably damaging to the protein structure/function. Therefore, based on the currently available information, it is unclear whether this variant is a pathogenic variant or a rare benign variant.